The following is an entry in ClinVar:

NM_001110556.2(FLNA):c.3678C>T (p.Pro1226=)

Gene: FLNA (filamin A; minus strand). Cytogenetic location: Xq28.
Variant type: single nucleotide variant.
Coding change: c.3678C>T on transcript NM_001110556.2 (MANE Select); coding-DNA position 3678, C replaced by T.
Protein change: p.Pro1226=; no amino-acid change (proline 1226 retained).
Molecular consequence: synonymous variant.
Genome position (GRCh38, 1-based): chrX:154,360,117, G>A on the plus strand (C>T on the coding strand, the complement: FLNA is on the minus strand). VCF-style: chrX-154360117-G-A. GRCh37 (hg19) VCF-style: chrX-153588485-G-A.
Other names: p.Pro1226=; c.3678C>T, p.Pro1226= (NM_001456.4).
Identifiers: ClinVar variation 519897 (VCV000519897.19), dbSNP rs377579695, ClinGen allele CA10560673.

ClinVar aggregate classification (germline): Benign/Likely benign. Review status: criteria provided, multiple submitters, no conflicts (2 of 4 stars). 7 submissions from 7 submitters: Benign (1); Likely benign (4). 2 of the submissions do not count toward it. Last evaluated 2025-11-16.

Conditions:
Oto-palato-digital syndrome, type II (OPD2). Also called: Otopalatodigital Syndrome Type 2 (FLNA-OPD2); Otopalatodigital Syndrome, Type II; OPD II SYNDROME; FACIOPALATOOSSEOUS SYNDROME. Identifiers: Orphanet 669, Orphanet 90652, MedGen C1844696, MONDO:0010571, OMIM 304120.
Heterotopia, periventricular, X-linked dominant (PVNH1). Also called: PERIVENTRICULAR NODULAR HETEROTOPIA 1; PERIVENTRICULAR NODULAR HETEROTOPIA 4; HETEROTOPIA, PERIVENTRICULAR, 1; X-linked periventricular heterotopia. Identifiers: Orphanet 2149, Orphanet 82004, MedGen C1848213, MONDO:0010233, OMIM 300049.
Melnick-Needles syndrome (MNS). Also called: Melnick-Needles Syndrome (FLNA-MNS); OSTEODYSPLASTY OF MELNICK AND NEEDLES; MELNICK-NEEDLES OSTEODYSPLASTY. Identifiers: Orphanet 2484, MedGen C0025237, MONDO:0010650, OMIM 309350.
Frontometaphyseal dysplasia (FMD1). Identifiers: Orphanet 1826, MedGen C0265293, MONDO:0015942.
Familial thoracic aortic aneurysm and aortic dissection (TAAD). Also called: Thoracic aortic aneurysms and dissections. Identifiers: Orphanet 91387, MedGen C4707243, MONDO:0019625.
Connective tissue disorder. Also called: Connective tissue disease. Identifiers: MedGen C0009782, MONDO:0003900.

Allele frequency attached by ClinVar (database versions not stated): gnomAD exomes 0.00001; TOPMed 0.00001; ExAC 0.00002; gnomAD 0.00005; ESP Exome Variant Server 0.00010.
gnomAD v4.1: 15 of 1,209,521 alleles (0.0012%); highest among the groups gnomAD compares: Non-Finnish European, 0.0017%; no homozygotes.

Submissions (7):

Mayo Clinic Laboratories, Mayo Clinic
Classification: Likely benign. Last evaluated: 2025-11-16. Review status: criteria provided, single submitter. Criteria: ACMG Guidelines, 2015. Collection method: clinical testing. Allele origin: germline. Observed: 1 variant allele.
Comment: BP4, BP7

Labcorp Genetics (formerly Invitae), Labcorp
Classification: Benign for Oto-palato-digital syndrome, type II; Heterotopia, periventricular, X-linked dominant; Frontometaphyseal dysplasia; Melnick-Needles syndrome. Last evaluated: 2025-10-21. Review status: criteria provided, single submitter. Criteria: Invitae Variant Classification Sherloc (09022015). Collection method: clinical testing. Allele origin: germline.

Blueprint Genetics
Classification: Likely benign. Last evaluated: 2024-08-09. Review status: criteria provided, single submitter. Criteria: ACMG Guidelines, 2015. Collection method: clinical testing. Allele origin: germline.

Ambry Genetics
Classification: Likely benign for Familial thoracic aortic aneurysm and aortic dissection. Last evaluated: 2017-12-20. Review status: criteria provided, single submitter. Criteria: Ambry Variant Classification Scheme 2023. Collection method: clinical testing. Allele origin: germline.

Center for Human Genetics, Inc
Classification: Likely benign for Connective tissue disorder. Last evaluated: 2016-11-01. Review status: criteria provided, single submitter. Criteria: ACMG Guidelines, 2015. Collection method: clinical testing. Allele origin: germline. Affected: yes.

Clinical Genetics DNA and cytogenetics Diagnostics Lab, Erasmus MC, Erasmus Medical Center
Classification: Likely benign. Review status: no assertion criteria provided. Collection method: clinical testing. Allele origin: germline. Affected: yes. Study: VKGL Data-share Consensus. Not counted in ClinVar's aggregate classification.

Genome Diagnostics Laboratory, University Medical Center Utrecht
Classification: Likely benign. Review status: no assertion criteria provided. Collection method: clinical testing. Allele origin: germline. Affected: yes. Study: VKGL Data-share Consensus. Not counted in ClinVar's aggregate classification.